The following is an entry in ClinVar:

ClinVar aggregate classification (germline): Uncertain significance (1 of 4 stars; one submission).

Allele frequency attached by ClinVar (database versions not stated): gnomAD exomes 0.00001.
gnomAD v4.1: 7 of 1,606,860 alleles (0.00044%); highest among the groups gnomAD compares: Non-Finnish European, 0.0006%; no homozygotes.

Submission:

Blueprint Genetics
Classification: Uncertain significance. Last evaluated: 2020-11-11. Review status: criteria provided, single submitter. Criteria: ACMG Guidelines, 2015. Collection method: clinical testing. Allele origin: germline.

NM_016026.4(RDH11):c.454+2T>A

Genes: GPHN (gephyrin; plus strand), RDH11 (retinol dehydrogenase 11; minus strand). Cytogenetic location: 14q24.1.
Variant type: single nucleotide variant.
Coding change: c.454+2T>A on transcript NM_016026.4 (MANE Select); the canonical splice donor site of the intron after coding-DNA position 454, T replaced by A.
Molecular consequence: splice donor variant.
Genome position (GRCh38, 1-based): chr14:67,691,138, A>T on the plus strand (T>A on the coding strand, the complement: RDH11 is on the minus strand). VCF-style: chr14-67691138-A-T. GRCh37 (hg19) VCF-style: chr14-68157855-A-T.
Other names: c.454+2T>A (NM_001252650.2).
Identifiers: ClinVar variation 1339901 (VCV001339901.3), dbSNP rs1364619920, ClinGen allele CA390134126.
Genomic context (GRCh38, chr14:67,691,138, plus strand): 5'-CCTAAGTTTCCCAAAGAGAATTTTGGGTCTCTCTAGCTTTGTGATAAGGCCAGATTTCTT[A>T]CCCAAGTGGTTGACTCCTATGTGCATCTCAAAGCCATCTGCTGTCTTCGAGTACGGACAC-3'